The following is an entry in ClinVar:

ClinVar aggregate classification (germline): Likely pathogenic. Review status: criteria provided, single submitter (1 of 4 stars). 3 submissions from 3 submitters: Likely pathogenic (1). 2 of the submissions do not count toward it. Last evaluated 2019-02-01.

Conditions:
VWF-related disorder. Also called: VWF-related disorders; VWF-related condition.
Hereditary von Willebrand disease. Identifiers: Orphanet 903, MedGen C5703318, MONDO:0019565. Inheritance: Autosomal recessive or Autosomal dominant.

Allele frequency attached by ClinVar (database versions not stated): gnomAD exomes below 0.00001 and 0.00001; ExAC 0.00001.
gnomAD v4.1: 10 of 1,613,912 alleles (0.00062%); highest among the groups gnomAD compares: Non-Finnish European, 0.00085%; no homozygotes.

Submissions (3):

NIHR Bioresource Rare Diseases, University of Cambridge
Classification: Likely pathogenic for von Willebrand disorder. Last evaluated: 2019-02-01. Review status: criteria provided, single submitter. Criteria: ACMG Guidelines, 2015. Collection method: research. Allele origin: unknown. Affected: yes. Observed: 1 heterozygote. Study: ThromboGenomics.

PreventionGenetics, part of Exact Sciences
Classification: Pathogenic for VWF-related condition. Last evaluated: 2024-02-08. Review status: no assertion criteria provided. Collection method: clinical testing. Allele origin: germline. Not counted in ClinVar's aggregate classification.
Comment: The VWF c.6798+1G>T variant is predicted to disrupt the GT donor site and interfere with normal splicing. This variant has been reported in individuals with Von Willebrand disease 1 (James et al. 2007. PubMed ID: 17190853; Downes et al. 2019. PubMed ID: 31064749. Suppl3_SNV+INDEL). This variant is reported in 0.00088% of alleles in individuals of European (Non-Finnish) descent in gnomAD. Variants that disrupt the consensus splice donor site in VWF are expected to be pathogenic. This variant is interpreted as pathogenic.

Academic Unit of Haematology, University of Sheffield
No classification provided. Review status: no classification provided. Collection method: not provided. Allele origin: not provided. Not counted in ClinVar's aggregate classification.

Literature cited by the submitters: PubMed 31064749 (cited by NIHR Bioresource Rare Diseases, University of Cambridge).

NM_000552.5(VWF):c.6798+1G>T

Gene: VWF (von Willebrand factor; minus strand). Cytogenetic location: 12p13.31.
Variant type: single nucleotide variant.
Coding change: c.6798+1G>T on transcript NM_000552.5 (MANE Select); the canonical splice donor site of the intron after coding-DNA position 6798, G replaced by T.
Molecular consequence: splice donor variant.
Genome position (GRCh38, 1-based): chr12:5,991,818, C>A on the plus strand (G>T on the coding strand, the complement: VWF is on the minus strand). VCF-style: chr12-5991818-C-A. GRCh37 (hg19) VCF-style: chr12-6100984-C-A.
Other names: c.6798+1G>T (NM_000552.4).
Identifiers: ClinVar variation 100449 (VCV000100449.6), dbSNP rs61750624, ClinGen allele CA228759.